The following is an entry in ClinVar:

NM_001375808.2(LPIN2):c.325C>T (p.Pro109Ser)

Gene: LPIN2 (lipin 2; minus strand). Cytogenetic location: 18p11.31.
Variant type: single nucleotide variant.
Coding change: c.325C>T on transcript NM_001375808.2 (MANE Select); coding-DNA position 325, C replaced by T.
Protein change: p.Pro109Ser; replaces proline 109 with serine.
Molecular consequence: missense variant.
Genome position (GRCh38, 1-based): chr18:2,951,320, G>A on the plus strand (C>T on the coding strand, the complement: LPIN2 is on the minus strand). VCF-style: chr18-2951320-G-A. GRCh37 (hg19) VCF-style: chr18-2951318-G-A.
Other names: c.325C>T, p.Pro109Ser (NM_001375809.1, NM_014646.2); short protein forms P109S.
Identifiers: ClinVar variation 1005490 (VCV001005490.9), dbSNP rs2077534072, ClinGen allele CA401709316.
Genomic context (GRCh38, chr18:2,951,320, plus strand): 5'-CATCTCCACCCGATTTCACCAAAGGGGTGTCAATATCTTTAAAGAACTGATCTTCAGTAG[G>A]AATTGGTGAGGTGGCAAGGTAAGCAGGAAGCTTTTCCTTGAGGAGAATGGAGAAAGAAAA-3'
Protein context (NP_001362737.1, residues 99-119): LPAYLATSPI[Pro109Ser]TEDQFFKDID

ClinVar aggregate classification (germline): Uncertain significance (1 of 4 stars; one submission).

Conditions:
Majeed syndrome (MJDS). Also called: CHRONIC RECURRENT MULTIFOCAL OSTEOMYELITIS 1, WITH CONGENITAL DYSERYTHROPOIETIC ANEMIA, WITH OR WITHOUT NEUTROPHILIC DERMATOSIS; LPIN2-Related Majeed Syndrome. Identifiers: Orphanet 77297, MedGen C1864997, MONDO:0012316, OMIM 609628.

Allele frequency attached by ClinVar (database versions not stated): gnomAD exomes below 0.00001.
gnomAD v4.1: 2 of 1,614,120 alleles (0.00012%); highest among the groups gnomAD compares: South Asian, 0.0011%; no homozygotes.

Submission:

Labcorp Genetics (formerly Invitae), Labcorp
Classification: Uncertain significance for Majeed syndrome. Last evaluated: 2024-03-26. Review status: criteria provided, single submitter. Criteria: Invitae Variant Classification Sherloc (09022015). Collection method: clinical testing. Allele origin: germline.
Comment: This sequence change replaces proline, which is neutral and non-polar, with serine, which is neutral and polar, at codon 109 of the LPIN2 protein (p.Pro109Ser). This variant is not present in population databases (gnomAD no frequency). This variant has not been reported in the literature in individuals affected with LPIN2-related conditions. ClinVar contains an entry for this variant (Variation ID: 1005490). Advanced modeling of protein sequence and biophysical properties (such as structural, functional, and spatial information, amino acid conservation, physicochemical variation, residue mobility, and thermodynamic stability) has been performed at Invitae for this missense variant, however the output from this modeling did not meet the statistical confidence thresholds required to predict the impact of this variant on LPIN2 protein function. In summary, the available evidence is currently insufficient to determine the role of this variant in disease. Therefore, it has been classified as a Variant of Uncertain Significance.